The following is an entry in ClinVar:

ClinVar aggregate classification (germline): Uncertain significance (1 of 4 stars; one submission).

Conditions:
Intellectual disability, autosomal recessive 53 (NEDHSCA). Also called: NEURODEVELOPMENTAL DISORDER WITH OR WITHOUT HYPOTONIA, SEIZURES, AND CEREBELLAR ATROPHY; GLYCOSYLPHOSPHATIDYLINOSITOL BIOSYNTHESIS DEFECT 13; Mental retardation, autosomal recessive 53. Identifiers: Orphanet 488635, MedGen C4310794, MONDO:0014832, OMIM 616917.

Submission:

Labcorp Genetics (formerly Invitae), Labcorp
Classification: Uncertain significance for Intellectual disability, autosomal recessive 53. Last evaluated: 2022-08-09. Review status: criteria provided, single submitter. Criteria: Invitae Variant Classification Sherloc (09022015). Collection method: clinical testing. Allele origin: germline.
Comment: In summary, the available evidence is currently insufficient to determine the role of this variant in disease. Therefore, it has been classified as a Variant of Uncertain Significance. Algorithms developed to predict the effect of missense changes on protein structure and function are either unavailable or do not agree on the potential impact of this missense change (SIFT: "Tolerated"; PolyPhen-2: "Possibly Damaging"; Align-GVGD: "Class C0"). This variant has not been reported in the literature in individuals affected with PIGG-related conditions. This variant is not present in population databases (gnomAD no frequency). This sequence change replaces aspartic acid, which is acidic and polar, with glutamic acid, which is acidic and polar, at codon 776 of the PIGG protein (p.Asp776Glu).

NM_001127178.3(PIGG):c.2328C>G (p.Asp776Glu)

Gene: PIGG (phosphatidylinositol glycan anchor biosynthesis class G (EMM blood group); plus strand). Cytogenetic location: 4p16.3.
Variant type: single nucleotide variant.
Coding change: c.2328C>G on transcript NM_001127178.3 (MANE Select); coding-DNA position 2328, C replaced by G.
Protein change: p.Asp776Glu; replaces aspartic acid 776 with glutamic acid.
Molecular consequence: missense variant. On other transcripts: non-coding transcript variant (6).
Genome position (GRCh38, 1-based): chr4:530,502, C>G. VCF-style: chr4-530502-C-G. GRCh37 (hg19) VCF-style: chr4-524291-C-G.
Other names: c.2061C>G, p.Asp687Glu (NM_001289051.2, NM_001345986.2); c.1929C>G, p.Asp643Glu (NM_001289052.2); c.2037C>G, p.Asp679Glu (NM_001345987.2); c.1299C>G, p.Asp433Glu (NM_001345988.2); c.795C>G, p.Asp265Glu (NM_001345990.2, NM_001345991.2); c.1230C>G, p.Asp410Glu (NM_001345994.2); c.2304C>G, p.Asp768Glu (NM_017733.5); short protein forms D433E, D687E, D265E, D776E, D410E, D643E, D679E, D768E.
Identifiers: ClinVar variation 1914542 (VCV001914542.5), dbSNP rs2475050696, ClinGen allele CA355909777.